The following is an entry in ClinVar:

ClinVar aggregate classification (germline): Likely benign (1 of 4 stars; one submission).

Allele frequency attached by ClinVar (database versions not stated): gnomAD 0.00001; gnomAD exomes 0.00001 and 0.00002; TOPMed 0.00002; ExAC 0.00003.
gnomAD v4.1: 16 of 1,609,596 alleles (0.00099%); highest among the groups gnomAD compares: Non-Finnish European, 0.0014%; no homozygotes.

Submission:

GeneDx
Classification: Likely benign. Last evaluated: 2016-05-23. Review status: criteria provided, single submitter. Criteria: GeneDx Variant Classification (06012015). Collection method: clinical testing. Allele origin: germline. Affected: yes.
Comment: This variant is considered likely benign or benign based on one or more of the following criteria: it is a conservative change, it occurs at a poorly conserved position in the protein, it is predicted to be benign by multiple in silico algorithms, and/or has population frequency not consistent with disease.

NM_018136.5(ASPM):c.7752A>G (p.Gln2584=)

Gene: ASPM (assembly factor for spindle microtubules; minus strand). Cytogenetic location: 1q31.3.
Variant type: single nucleotide variant.
Coding change: c.7752A>G on transcript NM_018136.5 (MANE Select); coding-DNA position 7752, A replaced by G.
Protein change: p.Gln2584=; no amino-acid change (glutamine 2584 retained).
Molecular consequence: synonymous variant. On other transcripts: intron variant (1).
Genome position (GRCh38, 1-based): chr1:197,101,499, T>C on the plus strand (A>G on the coding strand, the complement: ASPM is on the minus strand). VCF-style: chr1-197101499-T-C. GRCh37 (hg19) VCF-style: chr1-197070629-T-C.
Other names: c.4066-5335A>G (NM_001206846.2).
Identifiers: ClinVar variation 386227 (VCV000386227.1), dbSNP rs767030089, ClinGen allele CA1309343.
Genomic context (GRCh38, chr1:197,101,499, plus strand): 5'-TTTCTTAAGTTCATTGTGTTGAAATACTTTCTGTTTCTTTTTATTTGCTCTATATTTTTC[T>C]TGTATGATTTTTGTAGCCCACTGAAGCTTTTGGTAGAAACAATACTGCCTATACATTCTG-3'
Protein context (NP_060606.3, residues 2574-2594): QKLQWATKII[Gln2584=]EKYRANKKKQ